The following is an entry in ClinVar:

NM_016222.4(DDX41):c.435-20_435-19delinsAT

Gene: DDX41 (DEAD-box helicase 41; minus strand). Cytogenetic location: 5q35.3.
Variant type: Indel.
Coding change: c.435-20_435-19delinsAT on transcript NM_016222.4 (MANE Select); 20 bases into the intron before coding-DNA position 435 through 19 bases into the intron before coding-DNA position 435, TC replaced by AT.
Molecular consequence: intron variant.
Genome position (GRCh38, 1-based): chr5:177,515,840-177,515,841, GA replaced by AT on the plus strand (TC replaced by AT on the coding strand, the reverse complement: DDX41 is on the minus strand). VCF-style: chr5-177515840-GA-AT. GRCh37 (hg19) VCF-style: chr5-176942841-GA-AT.
Other names: c.57-20_57-19delinsAT (NM_001321830.2, NM_001321732.2).
Identifiers: ClinVar variation 4768616 (VCV004768616.1).

ClinVar aggregate classification (germline): Uncertain significance (1 of 4 stars; one submission).

Submission:

Labcorp Genetics (formerly Invitae), Labcorp
Classification: Uncertain significance. Last evaluated: 2025-08-23. Review status: criteria provided, single submitter. Criteria: Invitae Variant Classification Sherloc (09022015). Collection method: clinical testing. Allele origin: germline.
Comment: This sequence change falls in intron 5 of the DDX41 gene. It does not directly change the encoded amino acid sequence of the DDX41 protein. Information on the frequency of this variant in the gnomAD database is not available, as this variant may be reported differently in the database. This variant has not been reported in the literature in individuals affected with DDX41-related conditions. Experimental studies and prediction algorithms are not available or were not evaluated, and the effect of this variant on mRNA splicing is currently unknown. In summary, the available evidence is currently insufficient to determine the role of this variant in disease. Therefore, it has been classified as a Variant of Uncertain Significance.